The following is an entry in ClinVar:

ClinVar aggregate classification (germline): Uncertain significance (1 of 4 stars; one submission).

gnomAD v4.1: 2 of 1,613,392 alleles (0.00012%); highest among the groups gnomAD compares: Non-Finnish European, 0.00017%; no homozygotes.

Submission:

Labcorp Genetics (formerly Invitae), Labcorp
Classification: Uncertain significance. Last evaluated: 2025-01-12. Review status: criteria provided, single submitter. Criteria: Invitae Variant Classification Sherloc (09022015). Collection method: clinical testing. Allele origin: germline.
Comment: This sequence change replaces proline, which is neutral and non-polar, with serine, which is neutral and polar, at codon 288 of the COL11A1 protein (p.Pro288Ser). This variant is not present in population databases (gnomAD no frequency). This variant has not been reported in the literature in individuals affected with COL11A1-related conditions. Invitae Evidence Modeling of protein sequence and biophysical properties (such as structural, functional, and spatial information, amino acid conservation, physicochemical variation, residue mobility, and thermodynamic stability) indicates that this missense variant is not expected to disrupt COL11A1 protein function with a negative predictive value of 95%. In summary, the available evidence is currently insufficient to determine the role of this variant in disease. Therefore, it has been classified as a Variant of Uncertain Significance.

NM_001854.4(COL11A1):c.862C>T (p.Pro288Ser)

Gene: COL11A1 (collagen type XI alpha 1 chain; minus strand). Cytogenetic location: 1p21.1.
Variant type: single nucleotide variant.
Coding change: c.862C>T on transcript NM_001854.4 (MANE Select); coding-DNA position 862, C replaced by T.
Protein change: p.Pro288Ser; replaces proline 288 with serine.
Molecular consequence: missense variant. On other transcripts: non-coding transcript variant (1), intron variant (2).
Genome position (GRCh38, 1-based): chr1:103,026,251, G>A on the plus strand (C>T on the coding strand, the complement: COL11A1 is on the minus strand). VCF-style: chr1-103026251-G-A. GRCh37 (hg19) VCF-style: chr1-103491807-G-A.
Other names: c.862C>T, p.Pro288Ser (NM_080630.4); c.781-638C>T (NM_001190709.2); c.781-299C>T (NM_080629.3); short protein forms P288S.
Identifiers: ClinVar variation 3633581 (VCV003633581.2).